The following is an entry in ClinVar:

ClinVar aggregate classification (germline): Conflicting classifications of pathogenicity. Review status: criteria provided, conflicting classifications (1 of 4 stars). 2 submissions from 2 submitters: Uncertain significance (1); Likely benign (1). Last evaluated 2025-06-04.

Conditions:
Hereditary cancer-predisposing syndrome. Also called: Hereditary neoplastic syndrome; Neoplastic Syndromes, Hereditary; Tumor predisposition; Hereditary Cancer Syndrome. Identifiers: Orphanet 140162, MedGen C0027672, MeSH D009386, MONDO:0015356.
Hereditary breast ovarian cancer syndrome. Also called: Hereditary breast and ovarian cancer syndrome (HBOC); BRCA1- and BRCA2-Associated Hereditary Breast and Ovarian Cancer; Hereditary breast and ovarian cancer syndrome; Breast and ovarian cancer; Hereditary breast and ovarian cancer; Hereditary breast and/or ovarian cancer syndrome. Identifiers: Orphanet 145, MedGen C0677776, MeSH D061325, MONDO:0003582. Disease mechanism: loss of function.

Submissions (2):

Labcorp Genetics (formerly Invitae), Labcorp
Classification: Uncertain significance for Hereditary breast ovarian cancer syndrome. Last evaluated: 2025-06-04. Review status: criteria provided, single submitter. Criteria: Invitae Variant Classification Sherloc (09022015). Collection method: clinical testing. Allele origin: germline.
Comment: This sequence change replaces glutamic acid, which is acidic and polar, with lysine, which is basic and polar, at codon 1526 of the BRCA1 protein (p.Glu1526Lys). This variant is not present in population databases (gnomAD no frequency). This variant has not been reported in the literature in individuals affected with BRCA1-related conditions. ClinVar contains an entry for this variant (Variation ID: 531282). Invitae Evidence Modeling of protein sequence and biophysical properties (such as structural, functional, and spatial information, amino acid conservation, physicochemical variation, residue mobility, and thermodynamic stability) indicates that this missense variant is not expected to disrupt BRCA1 protein function with a negative predictive value of 95%. In summary, the available evidence is currently insufficient to determine the role of this variant in disease. Therefore, it has been classified as a Variant of Uncertain Significance.

Ambry Genetics
Classification: Likely benign for Hereditary cancer-predisposing syndrome. Last evaluated: 2019-05-10. Review status: criteria provided, single submitter. Criteria: Ambry Variant Classification Scheme 2023. Collection method: clinical testing. Allele origin: germline.

NM_007294.4(BRCA1):c.4576G>A (p.Glu1526Lys)

Gene: BRCA1 (BRCA1 DNA repair associated; minus strand). Cytogenetic location: 17q21.31.
Variant type: single nucleotide variant.
Coding change: c.4576G>A on transcript NM_007294.4 (MANE Select); coding-DNA position 4576, G replaced by A.
Protein change: p.Glu1526Lys; replaces glutamic acid 1526 with lysine.
Molecular consequence: missense variant. On other transcripts: non-coding transcript variant (1).
Genome position (GRCh38, 1-based): chr17:43,074,430, C>T on the plus strand (G>A on the coding strand, the complement: BRCA1 is on the minus strand). VCF-style: chr17-43074430-C-T. GRCh37 (hg19) VCF-style: chr17-41226447-C-T.
Other names: c.4429G>A, p.Glu1477Lys (NM_001407838.1, NM_001407839.1, NM_001407843.1 and 12 more transcripts); c.1138G>A, p.Glu380Lys (NM_001408448.1, NM_001408450.1, NM_001408445.1 and 2 more transcripts); c.1126G>A, p.Glu376Lys (NM_001408454.1, NM_001408456.1, NM_001408452.1 and 3 more transcripts); c.1132G>A, p.Glu378Lys (NM_001408451.1); c.4363G>A, p.Glu1455Lys (NM_001407571.1, NM_001407894.1, NM_001407895.1 and 12 more transcripts); c.4642G>A, p.Glu1548Lys (NM_001407581.1, NM_001407582.1); c.4639G>A, p.Glu1547Lys (NM_001407583.1, NM_001407585.1, NM_001407587.1 and 1 more transcripts); c.4636G>A, p.Glu1546Lys (NM_001407590.1, NM_001407591.1); and 68 more; short protein forms E1526K, E1479K, E422K, E1547K, E1397K, E1399K, E1414K, E1436K.
Identifiers: ClinVar variation 531282 (VCV000531282.11), dbSNP rs878853294, ClinGen allele CA10592363.